The following is an entry in ClinVar:

ClinVar aggregate classification (germline): Uncertain significance. Review status: criteria provided, multiple submitters, no conflicts (2 of 4 stars). 2 submissions from 2 submitters: Uncertain significance (2). Last evaluated 2025-10-14.

Allele frequency attached by ClinVar (database versions not stated): gnomAD exomes below 0.00001.
gnomAD v4.1: 1 of 1,614,202 alleles (0.000062%); highest among the groups gnomAD compares: Non-Finnish European, 0.000085%; no homozygotes.

Submissions (2):

Dasa
Classification: Uncertain significance. Last evaluated: 2025-10-14. Review status: criteria provided, single submitter. Criteria: DASA Assertion Criteria. Collection method: clinical testing. Allele origin: germline.
Comment: NM_015338.6(ASXL1):c.1325T>C (p.Val442Ala) is a missense variant that results in the substitution of valine with alanine. This variant is rare in population databases. Computational prediction algorithms are consistent with a benign effect. The currently available literature and clinical evidence are not sufficient to establish a definitive association between this variant and the reported condition. Therefore, this variant is classified as a variant of uncertain significance.

Labcorp Genetics (formerly Invitae), Labcorp
Classification: Uncertain significance. Last evaluated: 2022-12-08. Review status: criteria provided, single submitter. Criteria: Invitae Variant Classification Sherloc (09022015). Collection method: clinical testing. Allele origin: germline.
Comment: This sequence change replaces valine, which is neutral and non-polar, with alanine, which is neutral and non-polar, at codon 442 of the ASXL1 protein (p.Val442Ala). In summary, the available evidence is currently insufficient to determine the role of this variant in disease. Therefore, it has been classified as a Variant of Uncertain Significance. Algorithms developed to predict the effect of missense changes on protein structure and function output the following: SIFT: "Tolerated"; PolyPhen-2: "Benign"; Align-GVGD: "Class C0". The alanine amino acid residue is found in multiple mammalian species, which suggests that this missense change does not adversely affect protein function. This variant has not been reported in the literature in individuals affected with ASXL1-related conditions. This variant is not present in population databases (gnomAD no frequency).

NM_015338.6(ASXL1):c.1325T>C (p.Val442Ala)

Gene: ASXL1 (ASXL transcriptional regulator 1; plus strand). Cytogenetic location: 20q11.21.
Variant type: single nucleotide variant.
Coding change: c.1325T>C on transcript NM_015338.6 (MANE Select); coding-DNA position 1325, T replaced by C.
Protein change: p.Val442Ala; replaces valine 442 with alanine.
Molecular consequence: missense variant.
Genome position (GRCh38, 1-based): chr20:32,433,523, T>C. VCF-style: chr20-32433523-T-C. GRCh37 (hg19) VCF-style: chr20-31021326-T-C.
Other names: c.1142T>C, p.Val381Ala (NM_001363734.1); short protein forms V381A, V442A.
Identifiers: ClinVar variation 2819452 (VCV002819452.5), dbSNP rs2515534625, ClinGen allele CA408556343.
Genomic context (GRCh38, chr20:32,433,523, plus strand): 5'-GGAATCTGTACAAAAAACAGGAGTCAGAACAAGCAGGGGTTGCTAAGGATGCAAAATCTG[T>C]GGCCTCAGATGTTCCCCTCTACAAGGATGGGGAGGCTAAGACTGACCCAGCAGGGCTGAG-3'
Protein context (NP_056153.2, residues 432-452): QAGVAKDAKS[Val442Ala]ASDVPLYKDG